The following is an entry in ClinVar:

ClinVar aggregate classification (germline): Uncertain significance (1 of 4 stars; one submission).

Submission:

GeneDx
Classification: Uncertain significance. Last evaluated: 2024-02-16. Review status: criteria provided, single submitter. Criteria: GeneDx Variant Classification Process June 2021. Collection method: clinical testing. Allele origin: germline. Affected: yes.
Comment: Not observed at significant frequency in large population cohorts (gnomAD); In silico analysis supports that this missense variant does not alter protein structure/function; Has not been previously published as pathogenic or benign to our knowledge

NM_021956.5(GRIK2):c.2449G>C (p.Val817Leu)

Gene: GRIK2 (glutamate ionotropic receptor kainate type subunit 2; plus strand). Cytogenetic location: 6q16.3.
Variant type: single nucleotide variant.
Coding change: c.2449G>C on transcript NM_021956.5 (MANE Select); coding-DNA position 2449, G replaced by C.
Protein change: p.Val817Leu; replaces valine 817 with leucine.
Molecular consequence: missense variant.
Genome position (GRCh38, 1-based): chr6:102,055,467, G>C. VCF-style: chr6-102055467-G-C. GRCh37 (hg19) VCF-style: chr6-102503342-G-C.
Other names: c.2449G>C, p.Val817Leu (NM_001166247.1, NM_175768.3); short protein forms V817L.
Identifiers: ClinVar variation 3369425 (VCV003369425.1).